The following is an entry in ClinVar:

ClinVar aggregate classification (germline): Likely benign (1 of 4 stars; one submission).

Conditions:
CDK20-related disorder. Also called: CDK20-related condition.

Submission:

PreventionGenetics, part of Exact Sciences
Classification: Likely benign for CDK20-related condition. Last evaluated: 2026-06-10. Review status: criteria provided, single submitter. Criteria: ACMG Guidelines, 2015. Collection method: clinical testing. Allele origin: germline.
Comment: This variant is classified as likely benign based on ACMG/AMP sequence variant interpretation guidelines (Richards et al. 2015 PMID: 25741868, with internal and published modifications).

NM_001039803.3(CDK20):c.60G>A (p.Lys20=)

Genes: CDK20 (cyclin dependent kinase 20; minus strand), CDK20-AS1 (CDK20 antisense RNA 1; plus strand). Cytogenetic location: 9q22.1.
Variant type: single nucleotide variant.
Coding change: c.60G>A on transcript NM_001039803.3 (MANE Select); coding-DNA position 60, G replaced by A.
Protein change: p.Lys20=; no amino-acid change (lysine 20 retained).
Molecular consequence: synonymous variant.
Genome position (GRCh38, 1-based): chr9:87,974,387, C>T on the plus strand (G>A on the coding strand, the complement: CDK20 is on the minus strand). VCF-style: chr9-87974387-C-T. GRCh37 (hg19) VCF-style: chr9-90589302-C-T.
Other names: c.60G>A, p.Lys20= (NM_001170639.2, NM_001170640.2, NM_012119.5 and 1 more transcripts).
Identifiers: ClinVar variation 4984477 (VCV004984477.1).